The following is an entry in ClinVar:

ClinVar aggregate classification (germline): Conflicting classifications of pathogenicity. Review status: criteria provided, conflicting classifications (1 of 4 stars). 4 submissions from 4 submitters: Uncertain significance (3); Likely benign (1). Last evaluated 2025-09-16.

Conditions:
Hereditary cancer-predisposing syndrome. Also called: Tumor predisposition; Neoplastic Syndromes, Hereditary; Hereditary Cancer Syndrome; Hereditary neoplastic syndrome. Identifiers: Orphanet 140162, MedGen C0027672, MeSH D009386, MONDO:0015356.
Hereditary diffuse gastric adenocarcinoma (HDGC). Also called: DIFFUSE GASTRIC AND LOBULAR BREAST CANCER SYNDROME. Identifiers: Orphanet 26106, MedGen C1708349, MONDO:0007648, OMIM 137215.

Allele frequency attached by ClinVar (database versions not stated): gnomAD exomes below 0.00001 and 0.00001.
gnomAD v4.1: 2 of 1,614,174 alleles (0.00012%); highest among the groups gnomAD compares: African/African-American, 0.0013%; no homozygotes.

Submissions (4):

Labcorp Genetics (formerly Invitae), Labcorp
Classification: Uncertain significance for Hereditary diffuse gastric adenocarcinoma. Last evaluated: 2025-09-16. Review status: criteria provided, single submitter. Criteria: Invitae Variant Classification Sherloc (09022015). Collection method: clinical testing. Allele origin: germline.
Comment: This sequence change replaces lysine, which is basic and polar, with arginine, which is basic and polar, at codon 86 of the CDH1 protein (p.Lys86Arg). This variant is present in population databases (no rsID available, gnomAD 0.002%). This missense change has been observed in individual(s) with breast cancer (PMID: 36436516). ClinVar contains an entry for this variant (Variation ID: 491531). An algorithm developed to predict the effect of missense changes on protein structure and function outputs the following: PolyPhen-2: "Benign". The arginine amino acid residue is found in multiple mammalian species, which suggests that this missense change does not adversely affect protein function. In summary, the available evidence is currently insufficient to determine the role of this variant in disease. Therefore, it has been classified as a Variant of Uncertain Significance.

Ambry Genetics
Classification: Likely benign for Hereditary cancer-predisposing syndrome. Last evaluated: 2025-03-27. Review status: criteria provided, single submitter. Criteria: Ambry Variant Classification Scheme 2023. Collection method: clinical testing. Allele origin: germline.

European Reference Network on Genetic Tumour Risk Syndromes (ERN-GENTURIS), i3s - Instituto de Investigação e Inovação em Saúde, University of Porto
Classification: Uncertain significance for Hereditary diffuse gastric adenocarcinoma. Last evaluated: 2022-08-01. Review status: criteria provided, single submitter. Criteria: Lee et al. (Hum Mutat. 2018). Collection method: clinical testing. Allele origin: germline. Inheritance: Autosomal dominant inheritance. Affected: no. Study: ERN GENTURIS.
Comment: PM2 (PMID: 30311375)

Color Diagnostics, LLC DBA Color Health
Classification: Uncertain significance for Hereditary cancer-predisposing syndrome. Last evaluated: 2019-04-19. Review status: criteria provided, single submitter. Criteria: ACMG Guidelines, 2015. Collection method: clinical testing. Allele origin: germline.

Literature cited by the submitters: PubMed 36436516 (cited by Labcorp Genetics (formerly Invitae), Labcorp and European Reference Network on Genetic Tumour Risk Syndromes (ERN-GENTURIS), i3s - Instituto de Investigação e Inovação em Saúde, University of Porto).

NM_004360.5(CDH1):c.257A>G (p.Lys86Arg)

Gene: CDH1 (cadherin 1; plus strand). Cytogenetic location: 16q22.1.
Variant type: single nucleotide variant.
Coding change: c.257A>G on transcript NM_004360.5 (MANE Select); coding-DNA position 257, A replaced by G.
Protein change: p.Lys86Arg; replaces lysine 86 with arginine.
Molecular consequence: missense variant. On other transcripts: 5 prime UTR variant (2).
Genome position (GRCh38, 1-based): chr16:68,801,763, A>G. VCF-style: chr16-68801763-A-G. GRCh37 (hg19) VCF-style: chr16-68835666-A-G.
Other names: c.257A>G, p.Lys86Arg (NM_001317184.2); c.-1359A>G (NM_001317185.2); c.-1563A>G (NM_001317186.2); c.257A>G (NM_004360.3); short protein forms K86R.
Identifiers: ClinVar variation 491531 (VCV000491531.9), dbSNP rs1160169015, ClinGen allele CA396457253.